The following is an entry in ClinVar:

NM_001164508.2(NEB):c.23491_23498delinsGTA (p.Ile7831fs)

Genes: RIF1 (replication timing regulatory factor 1; plus strand), NEB (nebulin; minus strand). Cytogenetic location: 2q23.3.
Variant type: Indel.
Coding change: c.23491_23498delinsGTA on transcript NM_001164508.2 (MANE Select); coding-DNA positions 23491 to 23498, ATTACAGT replaced by GTA.
Protein change: p.Ile7831fs; shifts the reading frame from isoleucine 7831.
Molecular consequence: frameshift variant.
Genome position (GRCh38, 1-based): chr2:151,506,967-151,506,974, ACTGTAAT replaced by TAC on the plus strand (ATTACAGT replaced by GTA on the coding strand, the reverse complement: NEB is on the minus strand). VCF-style: chr2-151506967-ACTGTAAT-TAC. GRCh37 (hg19) VCF-style: chr2-152363481-ACTGTAAT-TAC.
Other names: c.23491_23498delinsGTA, p.Ile7831fs (NM_001164507.2); c.23596_23603delinsGTA, p.Ile7866fs (NM_001271208.2); c.18388_18395delinsGTA, p.Ile6130fs (NM_004543.5); short protein forms I6130fs, I7831fs, I7866fs.
Identifiers: ClinVar variation 5013253 (VCV005013253.1).

ClinVar aggregate classification (germline): Pathogenic (1 of 4 stars; one submission).

Conditions:
Nemaline myopathy 2 (NEM2). Also called: Nemaline myopathy 2, autosomal recessive. Identifiers: MedGen C1850569, MONDO:0009725, OMIM 256030.

Submission:

Myriad Genetics, Inc.
Classification: Pathogenic for Nemaline myopathy 2. Last evaluated: 2024-06-29. Review status: criteria provided, single submitter. Criteria: Myriad Autosomal Dominant, Autosomal Recessive and X-Linked Classification Criteria (2023). Collection method: clinical testing. Allele origin: unknown.
Comment: NM_001271208.1(NEB):c.23596_23603del8ins3(I7866Vfs*24) is expected to be pathogenic in the context of NEB-related nemaline myopathy. This variant is predicted to lead to an abnormal or absent protein product due to the creation of a premature termination codon in NEB, a gene where loss-of-function variants are known to be pathogenic. Please note: this variant was assessed in the context of healthy population screening.